The following is an entry in ClinVar:

NM_004329.3(BMPR1A):c.1041A>T (p.Thr347=)

Gene: BMPR1A (bone morphogenetic protein receptor type 1A; plus strand). Cytogenetic location: 10q23.2.
Variant type: single nucleotide variant.
Coding change: c.1041A>T on transcript NM_004329.3 (MANE Select); coding-DNA position 1041, A replaced by T.
Protein change: p.Thr347=; no amino-acid change (threonine 347 retained).
Molecular consequence: synonymous variant. On other transcripts: non-coding transcript variant (3).
Genome position (GRCh38, 1-based): chr10:86,919,344, A>T. VCF-style: chr10-86919344-A-T. GRCh37 (hg19) VCF-style: chr10-88679101-A-T.
Other names: c.1116A>T, p.Thr372= (NM_001406559.1); c.1089A>T, p.Thr363= (NM_001406560.1); c.1041A>T, p.Thr347= (NM_001406561.1, NM_001406562.1, NM_001406563.1 and 19 more transcripts); c.1035A>T, p.Thr345= (NM_001406583.1); c.957A>T, p.Thr319= (NM_001406584.1, NM_001406585.1, NM_001406586.1 and 2 more transcripts); c.699A>T, p.Thr233= (NM_001406589.1).
Identifiers: ClinVar variation 3378880 (VCV003378880.3).
Genomic context (GRCh38, chr10:86,919,344, plus strand): 5'-CACCAGAGCCCTGCTTAAATTGGCTTATTCAGCTGCCTGTGGTCTGTGCCACCTGCACAC[A>T]GAAATTTATGGCACCCAAGGAAAGCCCGCAATTGCTCATCGAGACCTAAAGAGCAAAAAC-3'
Protein context (NP_004320.2, residues 337-357): SAACGLCHLH[Thr347=]EIYGTQGKPA

ClinVar aggregate classification (germline): Benign/Likely benign. Review status: criteria provided, multiple submitters, no conflicts (2 of 4 stars). 2 submissions from 2 submitters: Benign (1); Likely benign (1). Last evaluated 2024-08-06.

Conditions:
Juvenile polyposis syndrome (JPS). Identifiers: Orphanet 2929, MedGen C0345893, MONDO:0017380, OMIM 174900.

Submissions (2):

Myriad Genetics, Inc.
Classification: Benign for Juvenile polyposis syndrome. Last evaluated: 2024-08-06. Review status: criteria provided, single submitter. Criteria: Myriad Autosomal Dominant, Autosomal Recessive and X-Linked Classification Criteria (2023). Collection method: clinical testing. Allele origin: unknown.
Comment: This variant is considered benign. This variant is a silent/synonymous amino acid change and it is not expected to impact splicing.

Labcorp Genetics (formerly Invitae), Labcorp
Classification: Likely benign for Juvenile polyposis syndrome. Last evaluated: 2024-05-06. Review status: criteria provided, single submitter. Criteria: Invitae Variant Classification Sherloc (09022015). Collection method: clinical testing. Allele origin: germline.